The following is an entry in ClinVar:

NM_000245.4(MET):c.1507C>G (p.Leu503Val)

Gene: MET (MET proto-oncogene, receptor tyrosine kinase; plus strand). Cytogenetic location: 7q31.2.
Variant type: single nucleotide variant.
Coding change: c.1507C>G on transcript NM_000245.4 (MANE Select); coding-DNA position 1507, C replaced by G.
Protein change: p.Leu503Val; replaces leucine 503 with valine.
Molecular consequence: missense variant.
Genome position (GRCh38, 1-based): chr7:116,740,064, C>G. VCF-style: chr7-116740064-C-G. GRCh37 (hg19) VCF-style: chr7-116380118-C-G.
Other names: c.1507C>G (NM_001127500.1); c.1507C>G, p.Leu503Val (NM_001127500.3, NM_001324401.3); c.217C>G, p.Leu73Val (NM_001324402.2); short protein forms L73V, L503V.
Identifiers: ClinVar variation 1444928 (VCV001444928.11), dbSNP rs1417433919, ClinGen allele CA368974298.
Genomic context (GRCh38, chr7:116,740,064, plus strand): 5'-TCCCATCCAGTGTCTCCAGAAGTGATTGTGGAGCATACATTAAACCAAAATGGCTACACA[C>G]TGGTTATCACTGGGAAGAAGGTAAGCTGTTCCCACAGGGAATTTCCATAGACGTGGTTTT-3'
Protein context (NP_000236.2, residues 493-513): EHTLNQNGYT[Leu503Val]VITGKKITKI

ClinVar aggregate classification (germline): Uncertain significance. Review status: criteria provided, multiple submitters, no conflicts (2 of 4 stars). 4 submissions from 4 submitters: Uncertain significance (4). Last evaluated 2025-09-15.

Conditions:
Hereditary cancer-predisposing syndrome. Also called: Tumor predisposition; Hereditary neoplastic syndrome; Neoplastic Syndromes, Hereditary; Hereditary Cancer Syndrome. Identifiers: Orphanet 140162, MedGen C0027672, MeSH D009386, MONDO:0015356.
Papillary renal cell carcinoma type 1 (RCCP1). Also called: RENAL CELL CARCINOMA, PAPILLARY, 1, SOMATIC; Renal adenocarcinoma; Renal cell carcinoma 1; Renal cell carcinoma, somatic. Identifiers: Orphanet 47044, MedGen C1336839, OMIM 605074, HP:0011797.
Renal cell carcinoma. Identifiers: Orphanet 217071, MedGen C0007134, MeSH D002292, MONDO:0005086, HP:0005584.

Allele frequency attached by ClinVar (database versions not stated): gnomAD exomes below 0.00001 and 0.00001.
gnomAD v4.1: 12 of 1,614,094 alleles (0.00074%); highest among the groups gnomAD compares: Non-Finnish European, 0.001%; no homozygotes.

Submissions (4):

Ambry Genetics
Classification: Uncertain significance for Hereditary cancer-predisposing syndrome. Last evaluated: 2025-09-15. Review status: criteria provided, single submitter. Criteria: Ambry Variant Classification Scheme 2023. Collection method: clinical testing. Allele origin: germline.
Comment: The p.L503V variant (also known as c.1507C>G), located in coding exon 3 of the MET gene, results from a C to G substitution at nucleotide position 1507. The leucine at codon 503 is replaced by valine, an amino acid with highly similar properties. This amino acid position is highly conserved in available vertebrate species. In addition, the in silico prediction for this alteration is inconclusive. Based on the available evidence, the clinical significance of this variant remains unclear.

Labcorp Genetics (formerly Invitae), Labcorp
Classification: Uncertain significance for Renal cell carcinoma. Last evaluated: 2025-07-29. Review status: criteria provided, single submitter. Criteria: Invitae Variant Classification Sherloc (09022015). Collection method: clinical testing. Allele origin: germline.
Comment: This sequence change replaces leucine, which is neutral and non-polar, with valine, which is neutral and non-polar, at codon 503 of the MET protein (p.Leu503Val). This variant is present in population databases (no rsID available, gnomAD 0.0009%). This variant has not been reported in the literature in individuals affected with MET-related conditions. ClinVar contains an entry for this variant (Variation ID: 1444928). Invitae Evidence Modeling of protein sequence and biophysical properties (such as structural, functional, and spatial information, amino acid conservation, physicochemical variation, residue mobility, and thermodynamic stability) indicates that this missense variant is not expected to disrupt MET protein function with a negative predictive value of 80%. In summary, the available evidence is currently insufficient to determine the role of this variant in disease. Therefore, it has been classified as a Variant of Uncertain Significance.

St. Jude Molecular Pathology, St. Jude Children's Research Hospital
Classification: Uncertain significance for Papillary renal cell carcinoma type 1. Last evaluated: 2022-07-07. Review status: criteria provided, single submitter. Criteria: St. Jude Assertion Criteria 2020. Collection method: clinical testing. Allele origin: germline.
Comment: The MET c.1507C>G (p.Leu503Val) missense change has a maximum subpopulation frequency of 0.00088% in gnomAD v2.1.1. The in silico tool REVEL is inconclusive about a pathogenic or benign effect of this variant on protein function, and to our knowledge functional studies have not been performed. To our knowledge, this variant has not been reported in individuals with hereditary papillary renal cell carcinoma. In summary, the evidence currently available is insufficient to determine the clinical significance of this variant. It has therefore been classified as of uncertain significance.

Blueprint Genetics
Classification: Uncertain significance. Last evaluated: 2021-06-22. Review status: criteria provided, single submitter. Criteria: ACMG Guidelines, 2015. Collection method: clinical testing. Allele origin: germline.